The following is an entry in ClinVar:

ClinVar aggregate classification (germline): Uncertain significance. Review status: criteria provided, multiple submitters, no conflicts (2 of 4 stars). 2 submissions from 2 submitters: Uncertain significance (2). Last evaluated 2025-09-14.

Conditions:
Infantile-onset X-linked spinal muscular atrophy. Also called: SPINAL MUSCULAR ATROPHY, X-LINKED LETHAL INFANTILE; Spinal Muscular Atrophy, X-Linked Infantile; AMC, DISTAL, X-LINKED; ARTHROGRYPOSIS, X-LINKED, TYPE I; Spinal muscular atrophy, X-linked 2. Identifiers: Orphanet 1145, MedGen C1844934, MONDO:0010532, OMIM 301830.
Inborn genetic diseases. Identifiers: MedGen C0950123, MeSH D030342.

Allele frequency attached by ClinVar (database versions not stated): gnomAD exomes 0.00002; TOPMed 0.00003.
gnomAD v4.1: 18 of 1,211,746 alleles (0.0015%); highest among the groups gnomAD compares: Non-Finnish European, 0.0019%; no homozygotes.

Submissions (2):

Labcorp Genetics (formerly Invitae), Labcorp
Classification: Uncertain significance for Infantile-onset X-linked spinal muscular atrophy. Last evaluated: 2025-09-14. Review status: criteria provided, single submitter. Criteria: Invitae Variant Classification Sherloc (09022015). Collection method: clinical testing. Allele origin: germline.
Comment: This sequence change replaces glutamic acid, which is acidic and polar, with lysine, which is basic and polar, at codon 380 of the UBA1 protein (p.Glu380Lys). The frequency data for this variant in the population databases is considered unreliable, as metrics indicate poor data quality at this position in the gnomAD database. This variant has not been reported in the literature in individuals affected with UBA1-related conditions. ClinVar contains an entry for this variant (Variation ID: 2037025). An algorithm developed to predict the effect of missense changes on protein structure and function (PolyPhen-2) suggests that this variant is likely to be tolerated. In summary, the available evidence is currently insufficient to determine the role of this variant in disease. Therefore, it has been classified as a Variant of Uncertain Significance.

Ambry Genetics
Classification: Uncertain significance for Inborn genetic diseases. Last evaluated: 2025-02-27. Review status: criteria provided, single submitter. Criteria: Ambry Variant Classification Scheme 2023. Collection method: clinical testing. Allele origin: germline.

NM_003334.4(UBA1):c.1138G>A (p.Glu380Lys)

Gene: UBA1 (ubiquitin like modifier activating enzyme 1; plus strand). Cytogenetic location: Xp11.3.
Variant type: single nucleotide variant.
Coding change: c.1138G>A on transcript NM_003334.4 (MANE Select); coding-DNA position 1138, G replaced by A.
Protein change: p.Glu380Lys; replaces glutamic acid 380 with lysine.
Molecular consequence: missense variant.
Genome position (GRCh38, 1-based): chrX:47,202,719, G>A. VCF-style: chrX-47202719-G-A. GRCh37 (hg19) VCF-style: chrX-47062118-G-A.
Other names: c.1138G>A (NM_003334.3); c.1138G>A, p.Glu380Lys (NM_153280.3); short protein forms E380K.
Identifiers: ClinVar variation 2037025 (VCV002037025.5), dbSNP rs1208061610, ClinGen allele CA412796259.
Genomic context (GRCh38, chrX:47,202,719, plus strand): 5'-GCCTTAGCACAGGCTGTGAATGCTCGAGCCCTGCCAGCAGTGCAGCAAAATAACCTGGAC[G>A]AGGACCTCATCCGGAAGCTGGCATATGTGGCTGCTGGGGATCTGGCACCCATAAACGCCT-3'
Protein context (NP_003325.2, residues 370-390): LPAVQQNNLD[Glu380Lys]DLIRKLAYVA